The following is an entry in ClinVar:

NM_001164508.2(NEB):c.5032-1del

Gene: NEB (nebulin; minus strand). Cytogenetic location: 2q23.3.
Variant type: Deletion.
Coding change: c.5032-1del on transcript NM_001164508.2 (MANE Select); the canonical splice acceptor site of the intron before coding-DNA position 5032, one base deleted (G; older notation c.5032-1delG).
Molecular consequence: splice acceptor variant.
Genome position (GRCh38, 1-based): chr2:151,665,540, C deleted on the plus strand (G on the coding strand, the reverse complement: NEB is on the minus strand). VCF-style (leftmost placement, unchanged base first): chr2-151665539-TC-T. GRCh37 (hg19) VCF-style: chr2-152522053-TC-T.
Other names: c.5032-1del (NM_004543.5, NM_001164507.2, NM_001271208.2).
Identifiers: ClinVar variation 3639934 (VCV003639934.3).

ClinVar aggregate classification (germline): Likely pathogenic. Review status: criteria provided, multiple submitters, no conflicts (2 of 4 stars). 2 submissions from 2 submitters: Likely pathogenic (2). Last evaluated 2024-02-17.

Conditions:
Arthrogryposis multiplex congenita 6. Identifiers: MedGen C5543431, MONDO:0030281, OMIM 619334.
Nemaline myopathy 2 (NEM2). Also called: Nemaline myopathy 2, autosomal recessive. Identifiers: MedGen C1850569, MONDO:0009725, OMIM 256030.

Submissions (2):

Labcorp Genetics (formerly Invitae), Labcorp
Classification: Likely pathogenic for Nemaline myopathy 2. Last evaluated: 2024-02-17. Review status: criteria provided, single submitter. Criteria: Invitae Variant Classification Sherloc (09022015). Collection method: clinical testing. Allele origin: germline.
Comment: This sequence change affects a splice site in intron 41 of the NEB gene. It is expected to disrupt RNA splicing. Variants that disrupt the donor or acceptor splice site typically lead to a loss of protein function (PMID: 16199547), and loss-of-function variants in NEB are known to be pathogenic (PMID: 25205138). This variant is not present in population databases (gnomAD no frequency). This variant has not been reported in the literature in individuals affected with NEB-related conditions. Algorithms developed to predict the effect of sequence changes on RNA splicing suggest that this variant may disrupt the consensus splice site. In summary, the currently available evidence indicates that the variant is pathogenic, but additional data are needed to prove that conclusively. Therefore, this variant has been classified as Likely Pathogenic.

Department of Pathology and Laboratory Medicine, Sinai Health System
Classification: Likely pathogenic for Arthrogryposis multiplex congenita 6; Nemaline myopathy 2. Last evaluated: 2022-08-31. Review status: criteria provided, single submitter. Criteria: ACMG Guidelines, 2015. Collection method: research. Allele origin: germline.

Literature cited by the submitters: PubMed 16199547 (cited by Labcorp Genetics (formerly Invitae), Labcorp); PubMed 25205138 (cited by Labcorp Genetics (formerly Invitae), Labcorp).